The following is an entry in ClinVar:

NM_057175.5(NAA15):c.1741G>A (p.Glu581Lys)

Gene: NAA15 (N-alpha-acetyltransferase 15, NatA auxiliary subunit; plus strand). Cytogenetic location: 4q31.1.
Variant type: single nucleotide variant.
Coding change: c.1741G>A on transcript NM_057175.5 (MANE Select); coding-DNA position 1741, G replaced by A.
Protein change: p.Glu581Lys; replaces glutamic acid 581 with lysine.
Molecular consequence: missense variant.
Genome position (GRCh38, 1-based): chr4:139,361,925, G>A. VCF-style: chr4-139361925-G-A. GRCh37 (hg19) VCF-style: chr4-140283079-G-A.
Other names: c.1741G>A, p.Glu581Lys (NM_001410842.1); c.*150G>A (NM_025085.2); short protein forms E581K.
Identifiers: ClinVar variation 2203850 (VCV002203850.2), dbSNP rs762452264, ClinGen allele CA3083688.

ClinVar aggregate classification (germline): Uncertain significance (1 of 4 stars; one submission).

Conditions:
Inborn genetic diseases. Identifiers: MedGen C0950123, MeSH D030342.

Allele frequency attached by ClinVar (database versions not stated): gnomAD 0.00001; TOPMed 0.00001; ExAC 0.00002; gnomAD exomes 0.00002.
gnomAD v4.1: 30 of 1,608,034 alleles (0.0019%); highest among the groups gnomAD compares: South Asian, 0.011%; no homozygotes.

Submission:

Ambry Genetics
Classification: Uncertain significance for Inborn genetic diseases. Last evaluated: 2021-07-13. Review status: criteria provided, single submitter. Criteria: Ambry Variant Classification Scheme 2023. Collection method: clinical testing. Allele origin: germline.
Comment: Guo, 2018 Based on insufficient or conflicting evidence, the clinical significance of this alteration remains unclear.

Literature cited by the submitters: PubMed 30564305.